The following is an entry in ClinVar:

NM_004006.3(DMD):c.9091G>A (p.Val3031Ile)

Gene: DMD (dystrophin; minus strand). Cytogenetic location: Xp21.2.
Variant type: single nucleotide variant.
Coding change: c.9091G>A on transcript NM_004006.3 (MANE Select); coding-DNA position 9091, G replaced by A.
Protein change: p.Val3031Ile; replaces valine 3031 with isoleucine.
Molecular consequence: missense variant.
Genome position (GRCh38, 1-based): chrX:31,348,628, C>T on the plus strand (G>A on the coding strand, the complement: DMD is on the minus strand). VCF-style: chrX-31348628-C-T. GRCh37 (hg19) VCF-style: chrX-31366745-C-T.
Other names: c.9067G>A, p.Val3023Ile (NM_000109.4); c.9079G>A, p.Val3027Ile (NM_004009.3); c.8722G>A, p.Val2908Ile (NM_004010.3); c.5068G>A, p.Val1690Ile (NM_004011.4); c.5059G>A, p.Val1687Ile (NM_004012.4); c.1711G>A, p.Val571Ile (NM_004013.3, NM_004020.4, NM_004021.3 and 2 more transcripts); c.904G>A, p.Val302Ile (NM_004014.3); short protein forms V3031I, V1687I, V3023I, V1690I, V2908I, V3027I, V302I, V571I.
Identifiers: ClinVar variation 498219 (VCV000498219.41), dbSNP rs143426249, ClinGen allele CA10377913.

ClinVar aggregate classification (germline): Conflicting classifications of pathogenicity. Review status: criteria provided, conflicting classifications (1 of 4 stars). 8 submissions from 8 submitters: Uncertain significance (1); Benign (1); Likely benign (5). 1 of the submissions does not count toward it. Last evaluated 2025-08-20.

Conditions:
Cardiomyopathy (CMYO). Also called: Cardiomyopathies. Identifiers: Orphanet 167848, MedGen C0878544, MONDO:0004994, HP:0001638. Inheritance: Various modes of inheritance.
Dystrophin deficiency.
Becker muscular dystrophy (BMD). Also called: MUSCULAR DYSTROPHY, PSEUDOHYPERTROPHIC PROGRESSIVE, BECKER TYPE; Becker Muscular Dystrophy (BMD). Identifiers: Orphanet 98895, MedGen C0917713, MONDO:0010311, OMIM 300376.
Duchenne muscular dystrophy (DMD). Also called: MUSCULAR DYSTROPHY, PSEUDOHYPERTROPHIC PROGRESSIVE, DUCHENNE TYPE; Duchenne Muscular Dystrophy (DMD). Identifiers: Orphanet 98896, MedGen C0013264, MONDO:0010679, OMIM 310200.
Cardiovascular phenotype. Identifiers: MedGen CN230736.

Allele frequency attached by ClinVar (database versions not stated): gnomAD 0.00004 and 0.00005; ExAC 0.00008; ESP Exome Variant Server 0.00009; gnomAD exomes 0.00009; TOPMed 0.00014.
gnomAD v4.1: 69 of 1,206,515 alleles (0.0057%); highest among the groups gnomAD compares: East Asian, 0.056%; no homozygotes.

Submissions (8):

Labcorp Genetics (formerly Invitae), Labcorp
Classification: Benign for Duchenne muscular dystrophy. Last evaluated: 2025-08-20. Review status: criteria provided, single submitter. Criteria: Invitae Variant Classification Sherloc (09022015). Collection method: clinical testing. Allele origin: germline.

Revvity Omics, Revvity
Classification: Likely benign. Last evaluated: 2025-06-15. Review status: criteria provided, single submitter. Criteria: ACMG Guidelines, 2015. Collection method: clinical testing. Allele origin: germline.

Molecular Diagnostic Laboratory for Inherited Cardiovascular Disease, Montreal Heart Institute
Classification: Likely benign. Last evaluated: 2025-04-09. Review status: criteria provided, single submitter. Criteria: ACMG Guidelines, 2015. Collection method: clinical testing. Allele origin: germline. Affected: no.
Comment: BP1, BP4, BP5

CeGaT Center for Human Genetics Tuebingen
Classification: Likely benign. Last evaluated: 2024-05-01. Review status: criteria provided, single submitter. Criteria: CeGaT Center For Human Genetics Tuebingen Variant Classification Criteria Version 2. Collection method: clinical testing. Allele origin: germline. Affected: yes. Observed: 1 variant allele.
Comment: DMD: BP4, BS2

Blueprint Genetics
Classification: Likely benign. Last evaluated: 2022-11-11. Review status: criteria provided, single submitter. Criteria: ACMG Guidelines, 2015. Collection method: clinical testing. Allele origin: germline.

Ambry Genetics
Classification: Likely benign for Cardiovascular phenotype. Last evaluated: 2019-07-30. Review status: criteria provided, single submitter. Criteria: Ambry Variant Classification Scheme 2023. Collection method: clinical testing. Allele origin: germline.

Eurofins Ntd Llc (ga)
Classification: Uncertain significance. Last evaluated: 2016-10-29. Review status: criteria provided, single submitter. Criteria: EGL Classification Definitions 2015. Collection method: clinical testing. Allele origin: germline. Observed: 1 variant allele, 1 heterozygote.

Natera, Inc.
Classification: Likely benign for Becker muscular dystrophy; Cardiomyopathy; Duchenne muscular dystrophy; Dystrophin deficiency. Last evaluated: 2019-06-25. Review status: no assertion criteria provided. Collection method: clinical testing. Allele origin: germline. Not counted in ClinVar's aggregate classification.